The following is an entry in ClinVar:

NM_000238.4(KCNH2):c.2692+7C>G

Gene: KCNH2 (potassium voltage-gated channel subfamily H member 2; minus strand). Cytogenetic location: 7q36.1.
Variant type: single nucleotide variant.
Coding change: c.2692+7C>G on transcript NM_000238.4 (MANE Select); 7 bases into the intron after coding-DNA position 2692, C replaced by G.
Molecular consequence: intron variant.
Genome position (GRCh38, 1-based): chr7:150,948,437, G>C on the plus strand (C>G on the coding strand, the complement: KCNH2 is on the minus strand). VCF-style: chr7-150948437-G-C. GRCh37 (hg19) VCF-style: chr7-150645525-G-C.
Other names: c.1672+7C>G (NM_172057.3).
Identifiers: ClinVar variation 456915 (VCV000456915.16), dbSNP rs372023163, ClinGen allele CA034501.

ClinVar aggregate classification (germline): Likely benign. Review status: criteria provided, multiple submitters, no conflicts (2 of 4 stars). 6 submissions from 6 submitters: Likely benign (4). 2 of the submissions do not count toward it. Last evaluated 2026-01-18.

Conditions:
Long QT syndrome (LQTS). Identifiers: MedGen C0023976, MeSH D008133, MONDO:0002442. Disease mechanism: loss of function. Inheritance: Various modes of inheritance.

Submissions (6):

Labcorp Genetics (formerly Invitae), Labcorp
Classification: Likely benign for Long QT syndrome. Last evaluated: 2026-01-18. Review status: criteria provided, single submitter. Criteria: Invitae Variant Classification Sherloc (09022015). Collection method: clinical testing. Allele origin: germline.

Women's Health and Genetics/Laboratory Corporation of America, LabCorp
Classification: Likely benign. Last evaluated: 2025-04-24. Review status: criteria provided, single submitter. Criteria: LabCorp Variant Classification Summary - May 2015. Collection method: clinical testing. Allele origin: germline.
Comment: Variant summary: KCNH2 c.2692+7C>G alters a non-conserved nucleotide located at a position not widely known to affect splicing. Consensus agreement among computation tools predict no significant impact on normal splicing. However, these predictions have yet to be confirmed by functional studies. The frequency data for this variant in gnomAD is considered unreliable, as metrics indicate poor data quality at this position. To our knowledge, no occurrence of c.2692+7C>G in individuals affected with KCNH2-related conditions and no experimental evidence demonstrating its impact on protein function have been reported. ClinVar contains an entry for this variant (Variation ID: 456915). Based on the evidence outlined above, the variant was classified as likely benign.

Blueprint Genetics
Classification: Likely benign. Last evaluated: 2023-10-06. Review status: criteria provided, single submitter. Criteria: ACMG Guidelines, 2015. Collection method: clinical testing. Allele origin: germline.

GeneDx
Classification: Likely benign. Last evaluated: 2018-06-14. Review status: criteria provided, single submitter. Criteria: GeneDx Variant Classification (06012015). Collection method: clinical testing. Allele origin: germline. Affected: yes.
Comment: This variant is considered likely benign or benign based on one or more of the following criteria: it is a conservative change, it occurs at a poorly conserved position in the protein, it is predicted to be benign by multiple in silico algorithms, and/or has population frequency not consistent with disease.

Clinical Genetics, Academic Medical Center
Classification: Benign. Review status: no assertion criteria provided. Collection method: clinical testing. Allele origin: germline. Affected: yes. Study: VKGL Data-share Consensus. Not counted in ClinVar's aggregate classification.

Joint Genome Diagnostic Labs from Nijmegen and Maastricht, Radboudumc and MUMC+
Classification: Benign. Review status: no assertion criteria provided. Collection method: clinical testing. Allele origin: germline. Affected: yes. Study: VKGL Data-share Consensus. Not counted in ClinVar's aggregate classification.